The following is an entry in ClinVar:

NM_182961.4(SYNE1):c.16573-118A>G

Gene: SYNE1 (spectrin repeat containing nuclear envelope protein 1; minus strand). Cytogenetic location: 6q25.2.
Variant type: single nucleotide variant.
Coding change: c.16573-118A>G on transcript NM_182961.4 (MANE Select); 118 bases into the intron before coding-DNA position 16573, A replaced by G.
Molecular consequence: intron variant.
Genome position (GRCh38, 1-based): chr6:152,317,104, T>C on the plus strand (A>G on the coding strand, the complement: SYNE1 is on the minus strand). VCF-style: chr6-152317104-T-C. GRCh37 (hg19) VCF-style: chr6-152638239-T-C.
Other names: c.16360-118A>G (NM_033071.5).
Identifiers: ClinVar variation 670183 (VCV000670183.1), dbSNP rs931423, ClinGen allele CA12253555.

ClinVar aggregate classification (germline): Benign (1 of 4 stars; one submission).

Allele frequency attached by ClinVar (database versions not stated): gnomAD 0.76288; TOPMed 0.78731; 1000 Genomes Project 30x 0.84931; 1000 Genomes Project 0.85164.
gnomAD v4.1: 843,072 of 1,145,816 alleles (74%); highest among the groups gnomAD compares: East Asian, 97%; 313,777 homozygotes.

Submission:

GeneDx
Classification: Benign. Last evaluated: 2018-06-14. Review status: criteria provided, single submitter. Criteria: GeneDx Variant Classification (06012015). Collection method: clinical testing. Allele origin: germline. Affected: yes.
Comment: This variant is considered likely benign or benign based on one or more of the following criteria: it is a conservative change, it occurs at a poorly conserved position in the protein, it is predicted to be benign by multiple in silico algorithms, and/or has population frequency not consistent with disease.